The following is an entry in ClinVar:

ClinVar aggregate classification (germline): Uncertain significance (1 of 4 stars; one submission).

gnomAD v4.1: 5 of 1,614,190 alleles (0.00031%); highest among the groups gnomAD compares: Middle Eastern, 0.016%; no homozygotes.

Submission:

Labcorp Genetics (formerly Invitae), Labcorp
Classification: Uncertain significance. Last evaluated: 2025-07-06. Review status: criteria provided, single submitter. Criteria: Invitae Variant Classification Sherloc (09022015). Collection method: clinical testing. Allele origin: germline.
Comment: This sequence change replaces glutamic acid, which is acidic and polar, with glutamine, which is neutral and polar, at codon 638 of the ARHGEF10 protein (p.Glu638Gln). This variant is present in population databases (rs763579436, gnomAD 0.0009%). This variant has not been reported in the literature in individuals affected with ARHGEF10-related conditions. Invitae Evidence Modeling of protein sequence and biophysical properties (such as structural, functional, and spatial information, amino acid conservation, physicochemical variation, residue mobility, and thermodynamic stability) indicates that this missense variant is not expected to disrupt ARHGEF10 protein function with a negative predictive value of 80%. In summary, the available evidence is currently insufficient to determine the role of this variant in disease. Therefore, it has been classified as a Variant of Uncertain Significance.

NM_014629.4(ARHGEF10):c.1912G>C (p.Glu638Gln)

Gene: ARHGEF10 (Rho guanine nucleotide exchange factor 10; plus strand). Cytogenetic location: 8p23.3.
Variant type: single nucleotide variant.
Coding change: c.1912G>C on transcript NM_014629.4 (MANE Select); coding-DNA position 1912, G replaced by C.
Protein change: p.Glu638Gln; replaces glutamic acid 638 with glutamine.
Molecular consequence: missense variant.
Genome position (GRCh38, 1-based): chr8:1,905,661, G>C. VCF-style: chr8-1905661-G-C. GRCh37 (hg19) VCF-style: chr8-1853827-G-C.
Other names: c.1798G>C, p.Glu600Gln (NM_001308152.2, NM_001438094.1); c.1912G>C, p.Glu638Gln (NM_001308153.3); c.1915G>C, p.Glu639Gln (NM_001438091.1); c.1795G>C, p.Glu599Gln (NM_001438092.1, NM_001438093.1); short protein forms E639Q, E662Q, E599Q, E600Q, E638Q.
Identifiers: ClinVar variation 4776527 (VCV004776527.1).
Genomic context (GRCh38, chr8:1,905,661, plus strand): 5'-CGATCAGATGATATGATAGAAACAGTTTACAACGACAGAGGAGAGATTGTTAAAACCAAA[G>C]AACGCCGAGTCTTCATGTTAAATGATGTGTTAATGTGTGCCACCGTCAGCTCACGGTAAG-3'
Protein context (NP_055444.2, residues 628-648): NDRGEIVKTK[Glu638Gln]RRVFMLNDVL